The following is an entry in ClinVar:

NM_002074.5(GNB1):c.550A>C (p.Thr184Pro)

Gene: GNB1 (G protein subunit beta 1; minus strand). Cytogenetic location: 1p36.33.
Variant type: single nucleotide variant.
Coding change: c.550A>C on transcript NM_002074.5 (MANE Select); coding-DNA position 550, A replaced by C.
Protein change: p.Thr184Pro; replaces threonine 184 with proline.
Molecular consequence: missense variant.
Genome position (GRCh38, 1-based): chr1:1,790,544, T>G on the plus strand (A>C on the coding strand, the complement: GNB1 is on the minus strand). VCF-style: chr1-1790544-T-G. GRCh37 (hg19) VCF-style: chr1-1721983-T-G.
Other names: c.250A>C, p.Thr84Pro (NM_001282538.2); c.550A>C, p.Thr184Pro (NM_001282539.2); short protein forms T184P, T84P.
Identifiers: ClinVar variation 2763833 (VCV002763833.3), dbSNP rs2100503859, ClinGen allele CA337906973.

ClinVar aggregate classification (germline): Uncertain significance (1 of 4 stars; one submission).

Submission:

Labcorp Genetics (formerly Invitae), Labcorp
Classification: Uncertain significance. Last evaluated: 2023-12-05. Review status: criteria provided, single submitter. Criteria: Invitae Variant Classification Sherloc (09022015). Collection method: clinical testing. Allele origin: germline.
Comment: This sequence change replaces threonine, which is neutral and polar, with proline, which is neutral and non-polar, at codon 184 of the GNB1 protein (p.Thr184Pro). This variant is not present in population databases (gnomAD no frequency). This variant has not been reported in the literature in individuals affected with GNB1-related conditions. Advanced modeling of protein sequence and biophysical properties (such as structural, functional, and spatial information, amino acid conservation, physicochemical variation, residue mobility, and thermodynamic stability) performed at Invitae indicates that this missense variant is not expected to disrupt GNB1 protein function with a negative predictive value of 80%. In summary, the available evidence is currently insufficient to determine the role of this variant in disease. Therefore, it has been classified as a Variant of Uncertain Significance.